The following is an entry in ClinVar:

NM_024642.5(GALNT12):c.1131G>A (p.Leu377=)

Gene: GALNT12 (polypeptide N-acetylgalactosaminyltransferase 12; plus strand). Cytogenetic location: 9q22.33.
Variant type: single nucleotide variant.
Coding change: c.1131G>A on transcript NM_024642.5 (MANE Select); coding-DNA position 1131, G replaced by A.
Protein change: p.Leu377=; no amino-acid change (leucine 377 retained).
Molecular consequence: synonymous variant.
Genome position (GRCh38, 1-based): chr9:98,837,067, G>A. VCF-style: chr9-98837067-G-A. GRCh37 (hg19) VCF-style: chr9-101599349-G-A.
Identifiers: ClinVar variation 485639 (VCV000485639.19), dbSNP rs148125332, ClinGen allele CA5154176.

ClinVar aggregate classification (germline): Benign/Likely benign. Review status: criteria provided, multiple submitters, no conflicts (2 of 4 stars). 5 submissions from 5 submitters: Benign (2); Likely benign (3). Last evaluated 2026-04-27.

Conditions:
Colorectal cancer, susceptibility to, 1. Also called: COLORECTAL ADENOMA AND CANCER, SUSCEPTIBILITY TO; COLORECTAL CANCER, SUSCEPTIBILITY TO, ON CHROMOSOME 9. Identifiers: MedGen C1837315, MONDO:0012132, OMIM 608812.

Allele frequency attached by ClinVar (database versions not stated): ESP Exome Variant Server 0.00008; gnomAD 0.00013 and 0.00016; TOPMed 0.00017; gnomAD exomes 0.00025 and 0.00044; ExAC 0.00030.
gnomAD v4.1: 400 of 1,614,072 alleles (0.025%); highest among the groups gnomAD compares: South Asian, 0.14%; 3 homozygotes.

Submissions (5):

Myriad Genetics, Inc.
Classification: Benign for Colorectal cancer, susceptibility to, 1. Last evaluated: 2026-04-27. Review status: criteria provided, single submitter. Criteria: Myriad Autosomal Dominant, Autosomal Recessive and X-Linked Classification Criteria (2023). Collection method: clinical testing. Allele origin: unknown.
Comment: This variant is considered benign. This variant is a silent/synonymous amino acid change and it is not expected to impact splicing.

Labcorp Genetics (formerly Invitae), Labcorp
Classification: Benign. Last evaluated: 2025-12-22. Review status: criteria provided, single submitter. Criteria: Invitae Variant Classification Sherloc (09022015). Collection method: clinical testing. Allele origin: germline.

Blueprint Genetics
Classification: Likely benign. Last evaluated: 2024-11-21. Review status: criteria provided, single submitter. Criteria: ACMG Guidelines, 2015. Collection method: clinical testing. Allele origin: germline.

Department of Pathology and Laboratory Medicine, Sinai Health System
Classification: Likely benign for Colorectal cancer, susceptibility to, 1. Last evaluated: 2024-10-21. Review status: criteria provided, single submitter. Criteria: ACMG Guidelines, 2015. Collection method: clinical testing. Allele origin: germline. Affected: yes.

Ambry Genetics
Classification: Likely benign. Last evaluated: 2017-04-12. Review status: criteria provided, single submitter. Criteria: Ambry Variant Classification Scheme 2023. Collection method: clinical testing. Allele origin: germline.